The following is an entry in ClinVar:

ClinVar aggregate classification (germline): Uncertain significance (1 of 4 stars; one submission).

Conditions:
Mucopolysaccharidosis, MPS-III-B (MPS3B). Also called: SANFILIPPO SYNDROME B; MUCOPOLYSACCHARIDOSIS, TYPE IIIB; Mucopolysaccharidosis type IIIB (Sanfilippo B); MPS IIIB (Sanfilippo Syndrome Type B); N-ACETYL-ALPHA-D-GLUCOSAMINIDASE DEFICIENCY; NAGLU DEFICIENCY. Identifiers: Orphanet 79270, MedGen C0086648, MONDO:0009656, OMIM 252920.

Submission:

Myriad Genetics, Inc.
Classification: Uncertain significance for Mucopolysaccharidosis, MPS-III-B. Last evaluated: 2026-04-22. Review status: criteria provided, single submitter. Criteria: Myriad Autosomal Dominant, Autosomal Recessive and X-Linked Classification Criteria (2023). Collection method: clinical testing. Allele origin: unknown.
Comment: NM_000263.3(NAGLU):c.531+5G>A is an intronic variant classified as a variant of uncertain significance in the context of mucopolysaccharidosis type IIIB. c.531+5G>A has been observed in cases with relevant disease (PMID: 24314109, 34440436, Zubaida_2019_(Thesis)). Relevant functional assessments of this variant are not available in the literature. c.531+5G>A has not been observed in referenced population frequency databases. In summary, there is insufficient evidence to classify NM_000263.3(NAGLU):c.531+5G>A as pathogenic or benign. Please note: this variant was assessed in the context of healthy population screening.

NM_000263.4(NAGLU):c.531+5G>A

Gene: NAGLU (N-acetyl-alpha-glucosaminidase; plus strand). Cytogenetic location: 17q21.2.
Variant type: single nucleotide variant.
Coding change: c.531+5G>A on transcript NM_000263.4 (MANE Select); 5 bases into the intron after coding-DNA position 531, G replaced by A.
Molecular consequence: intron variant.
Genome position (GRCh38, 1-based): chr17:42,537,550, G>A. VCF-style: chr17-42537550-G-A. GRCh37 (hg19) VCF-style: chr17-40689568-G-A.
Identifiers: ClinVar variation 5003349 (VCV005003349.1).